The following is an entry in ClinVar:

ClinVar aggregate classification (germline): Pathogenic (1 of 4 stars; one submission).

Submission:

Labcorp Genetics (formerly Invitae), Labcorp
Classification: Pathogenic. Last evaluated: 2025-04-30. Review status: criteria provided, single submitter. Criteria: Invitae Variant Classification Sherloc (09022015). Collection method: clinical testing. Allele origin: germline.
Comment: This sequence change creates a premature translational stop signal (p.Tyr119Metfs*10) in the NR3C2 gene. It is expected to result in an absent or disrupted protein product. Loss-of-function variants in NR3C2 are known to be pathogenic (PMID: 9662404, 16611713, 16972228). This variant is not present in population databases (gnomAD no frequency). This variant has not been reported in the literature in individuals affected with NR3C2-related conditions. ClinVar contains an entry for this variant (Variation ID: 3729624). For these reasons, this variant has been classified as Pathogenic.

Literature cited by the submitters: PubMed 9662404; PubMed 16611713; PubMed 16972228.

NM_000901.5(NR3C2):c.354del (p.Tyr119fs)

Gene: NR3C2 (nuclear receptor subfamily 3 group C member 2; minus strand). Cytogenetic location: 4q31.23.
Variant type: Deletion.
Coding change: c.354del on transcript NM_000901.5 (MANE Select); coding-DNA position 354, one base deleted (C; older notation c.354delC).
Protein change: p.Tyr119fs; shifts the reading frame from tyrosine 119.
Molecular consequence: frameshift variant. On other transcripts: non-coding transcript variant (1).
Genome position (GRCh38, 1-based): chr4:148,436,507, G deleted on the plus strand (C on the coding strand, the reverse complement: NR3C2 is on the minus strand); the first of 2 consecutive G bases (chr4:148,436,507-148,436,508); deleting either gives the same sequence. VCF-style (leftmost placement, unchanged base first): chr4-148436506-AG-A. GRCh37 (hg19) VCF-style: chr4-149357658-AG-A.
Other names: c.354del, p.Tyr119fs (NM_001166104.2, NM_001354819.1); short protein forms Y119fs.
Identifiers: ClinVar variation 3729624 (VCV003729624.2).